The following is an entry in ClinVar:

ClinVar aggregate classification (germline): Uncertain significance (1 of 4 stars; one submission).

Conditions:
Intellectual developmental disorder, X-linked 1. Also called: MENTAL RETARDATION, X-LINKED 18; MENTAL RETARDATION, X-LINKED 78; Intellectual disability, X-linked 1; Atkin Flaitz Patil Smith syndrome. Identifiers: Orphanet 777, MedGen C2931498, MONDO:0010656, OMIM 309530.

Allele frequency attached by ClinVar (database versions not stated): TOPMed 0.00001.
gnomAD v4.1: 1 of 1,210,350 alleles (0.000083%); highest among the groups gnomAD compares: African/African-American, 0.0017%; no homozygotes.

Submission:

Labcorp Genetics (formerly Invitae), Labcorp
Classification: Uncertain significance for Intellectual developmental disorder, X-linked 1. Last evaluated: 2025-10-21. Review status: criteria provided, single submitter. Criteria: Invitae Variant Classification Sherloc (09022015). Collection method: clinical testing. Allele origin: germline.
Comment: This sequence change replaces arginine, which is basic and polar, with glutamine, which is neutral and polar, at codon 531 of the IQSEC2 protein (p.Arg531Gln). This variant is not present in population databases (gnomAD no frequency). This variant has not been reported in the literature in individuals affected with IQSEC2-related conditions. ClinVar contains an entry for this variant (Variation ID: 574802). Invitae Evidence Modeling of protein sequence and biophysical properties (such as structural, functional, and spatial information, amino acid conservation, physicochemical variation, residue mobility, and thermodynamic stability) indicates that this missense variant is not expected to disrupt IQSEC2 protein function with a negative predictive value of 95%. In summary, the available evidence is currently insufficient to determine the role of this variant in disease. Therefore, it has been classified as a Variant of Uncertain Significance.

NM_001111125.3(IQSEC2):c.1592G>A (p.Arg531Gln)

Gene: IQSEC2 (IQ motif and Sec7 domain ArfGEF 2; minus strand). Cytogenetic location: Xp11.22.
Variant type: single nucleotide variant.
Coding change: c.1592G>A on transcript NM_001111125.3 (MANE Select); coding-DNA position 1592, G replaced by A.
Protein change: p.Arg531Gln; replaces arginine 531 with glutamine.
Molecular consequence: missense variant.
Genome position (GRCh38, 1-based): chrX:53,250,984, C>T on the plus strand (G>A on the coding strand, the complement: IQSEC2 is on the minus strand). VCF-style: chrX-53250984-C-T. GRCh37 (hg19) VCF-style: chrX-53280166-C-T.
Other names: c.977G>A, p.Arg326Gln (NM_015075.2); short protein forms R531Q, R326Q.
Identifiers: ClinVar variation 574802 (VCV000574802.11), dbSNP rs149027201, ClinGen allele CA413165231.
Genomic context (GRCh38, chrX:53,250,984, plus strand): 5'-AGAGGGGCTGGCGCCCAGAACTCGGGCCGGCCCTGGGGTGGGGGTTCTGTGCTGGGCAGT[C>T]GCTCAGGGGATTGTTGGGGAACTGTGTCATCCAGGTAGAGGGGAAGATCACTGAAGGATG-3'
Protein context (NP_001104595.1, residues 521-541): DDTVPQQSPE[Arg531Gln]LPSTEPPPQG